The following is an entry in ClinVar:

ClinVar aggregate classification (germline): Likely benign (1 of 4 stars; one submission).

Allele frequency attached by ClinVar (database versions not stated): 1000 Genomes Project 0.00120; 1000 Genomes Project 30x 0.00141; ExAC 0.00468; gnomAD 0.00470; ESP Exome Variant Server 0.00546; TOPMed 0.00642; gnomAD exomes 0.00672.
gnomAD v4.1: 10,589 of 1,614,142 alleles (0.66%); highest among the groups gnomAD compares: Non-Finnish European, 0.78%; 57 homozygotes.

Submission:

CeGaT Center for Human Genetics Tuebingen
Classification: Likely benign. Last evaluated: 2023-03-01. Review status: criteria provided, single submitter. Criteria: CeGaT Center For Human Genetics Tuebingen Variant Classification Criteria Version 2. Collection method: clinical testing. Allele origin: germline. Affected: yes. Observed: 1 variant allele.
Comment: BLTP2: BP4, BS2

NM_014680.5(BLTP2):c.4540C>T (p.Pro1514Ser)

Gene: BLTP2 (bridge-like lipid transfer protein family member 2; minus strand). Cytogenetic location: 17q11.2.
Variant type: single nucleotide variant.
Coding change: c.4540C>T on transcript NM_014680.5 (MANE Select); coding-DNA position 4540, C replaced by T.
Protein change: p.Pro1514Ser; replaces proline 1514 with serine.
Molecular consequence: missense variant.
Genome position (GRCh38, 1-based): chr17:28,628,319, G>A on the plus strand (C>T on the coding strand, the complement: BLTP2 is on the minus strand). VCF-style: chr17-28628319-G-A. GRCh37 (hg19) VCF-style: chr17-26955337-G-A.
Other names: c.4537C>T, p.Pro1513Ser (NM_001321560.2); c.4111C>T, p.Pro1371Ser (NM_001363826.1); c.3535C>T, p.Pro1179Ser (NM_001363827.1); c.2515C>T, p.Pro839Ser (NM_001363828.1); c.2512C>T, p.Pro838Ser (NM_001363829.1); short protein forms P1179S, P1371S, P1513S, P1514S, P838S, P839S.
Identifiers: ClinVar variation 2647592 (VCV002647592.24), dbSNP rs61743603, ClinGen allele CA8462736.